The following is an entry in ClinVar:

ClinVar aggregate classification (germline): Conflicting classifications of pathogenicity. Review status: criteria provided, conflicting classifications (1 of 4 stars). 3 submissions from 3 submitters: Likely pathogenic (1); Uncertain significance (2). Last evaluated 2021-05-24.

Conditions:
MAN1B1-related disorder. Also called: MAN1B1-related condition; MAN1B1-related disorders.
Rafiq syndrome (RAFQS). Identifiers: Orphanet 88616, MedGen C3280127, MONDO:0013624, OMIM 614202.

Allele frequency attached by ClinVar (database versions not stated): TOPMed below 0.00001; gnomAD 0.00001; gnomAD exomes 0.00001 and 0.00002; ExAC 0.00002.
gnomAD v4.1: 23 of 1,613,848 alleles (0.0014%); highest among the groups gnomAD compares: East Asian, 0.0022%; no homozygotes.

Submissions (3):

Baylor Genetics
Classification: Uncertain significance for Rafiq syndrome. Last evaluated: 2021-05-24. Review status: criteria provided, single submitter. Criteria: ACMG Guidelines, 2015. Collection method: clinical testing. Allele origin: unknown.

Blueprint Genetics
Classification: Likely pathogenic for MAN1B1-related disorders. Last evaluated: 2020-01-13. Review status: criteria provided, single submitter. Criteria: ACMG Guidelines, 2015. Collection method: clinical testing. Allele origin: germline. Affected: yes. Observed: 2 variant alleles.

Illumina Laboratory Services, Illumina
Classification: Uncertain significance for Rafiq syndrome. Last evaluated: 2017-04-28. Review status: criteria provided, single submitter. Criteria: ICSL Variant Classification Criteria 13 December 2019. Collection method: clinical testing. Allele origin: germline.
Comment: This variant was observed as part of a predisposition screen in an ostensibly healthy population. A literature search was performed for the gene, cDNA change, and amino acid change (where applicable). Publications were found based on this search. However, the evidence from the literature, in combination with allele frequency data from public databases where available, was not sufficient to rule this variant in or out of causing disease. Therefore, this variant is classified as a variant of unknown significance.

Literature cited by the submitters: PubMed 24566669 (cited by Illumina Laboratory Services, Illumina).

NM_016219.5(MAN1B1):c.1976T>G (p.Phe659Cys)

Gene: MAN1B1 (mannosidase alpha class 1B member 1; plus strand). Cytogenetic location: 9q34.3.
Variant type: single nucleotide variant.
Coding change: c.1976T>G on transcript NM_016219.5 (MANE Select); coding-DNA position 1976, T replaced by G.
Protein change: p.Phe659Cys; replaces phenylalanine 659 with cysteine.
Molecular consequence: missense variant. On other transcripts: non-coding transcript variant (2).
Genome position (GRCh38, 1-based): chr9:137,108,467, T>G. VCF-style: chr9-137108467-T-G. GRCh37 (hg19) VCF-style: chr9-140002919-T-G.
Other names: short protein forms F659C.
Identifiers: ClinVar variation 915201 (VCV000915201.6), dbSNP rs756140103, ClinGen allele CA5359534.